The following is an entry in ClinVar:

NM_032638.5(GATA2):c.787G>A (p.Gly263Arg)

Gene: GATA2 (GATA binding protein 2; minus strand). Cytogenetic location: 3q21.3.
Variant type: single nucleotide variant.
Coding change: c.787G>A on transcript NM_032638.5 (MANE Select); coding-DNA position 787, G replaced by A.
Protein change: p.Gly263Arg; replaces glycine 263 with arginine.
Molecular consequence: missense variant.
Genome position (GRCh38, 1-based): chr3:128,485,811, C>T on the plus strand (G>A on the coding strand, the complement: GATA2 is on the minus strand). VCF-style: chr3-128485811-C-T. GRCh37 (hg19) VCF-style: chr3-128204654-C-T.
Other names: c.787G>A (NM_001145661.1); c.787G>A, p.Gly263Arg (NM_001145661.2, NM_001145662.1); short protein forms G263R.
Identifiers: ClinVar variation 134468 (VCV000134468.15), dbSNP rs587778378, ClinGen allele CA159909.

ClinVar aggregate classification (germline): Conflicting classifications of pathogenicity. Review status: criteria provided, conflicting classifications (1 of 4 stars). 5 submissions from 5 submitters: Uncertain significance (3); Likely benign (1). 1 of the submissions does not count toward it. Last evaluated 2025-10-08.

Conditions:
GATA2-related disorder. Also called: GATA2-Related Disorders; GATA2-related condition.
Inborn genetic diseases. Identifiers: MedGen C0950123, MeSH D030342.
Deafness-lymphedema-leukemia syndrome. Also called: Lymphedema, primary, with myelodysplasia; Emberger syndrome. Identifiers: Orphanet 3226, MedGen C3279664, MONDO:0013540, OMIM 614038.
Monocytopenia with susceptibility to infections. Also called: MONOCYTOPENIA AND MYCOBACTERIAL INFECTION SYNDROME; MONOCYTOPENIA WITH SUSCEPTIBILITY TO MYCOBACTERIAL, FUNGAL, AND PAPILLOMAVIRUS INFECTIONS AND MYELODYSPLASIA; COMBINED IMMUNODEFICIENCY WITH SUSCEPTIBILITY TO MYCOBACTERIAL, VIRAL, AND FUNGAL INFECTIONS; Dendritic cell, monocyte, B lymphocyte, and natural killer lymphocyte deficiency; GATA2 DEFICIENCY; IMMUNODEFICIENCY 21. Identifiers: Orphanet 228423, MedGen C3280030, MONDO:0013607, OMIM 614172.
Acute myeloid leukemia (AML). Also called: Acute myeloid leukemia, adult; AML adult; Acute non-lymphocytic leukemia; Acute granulocytic leukemia; Leukemia, acute myeloid, somatic; Leukemia, acute myelogenous, somatic. Identifiers: Orphanet 519, MedGen C0023467, MeSH D015470, MONDO:0018874, OMIM 601626, HP:0004808. Disease mechanism: Constitutively activated FLT3.

Allele frequency attached by ClinVar (database versions not stated): gnomAD exomes below 0.00001; gnomAD 0.00001.

Submissions (5):

PreventionGenetics, part of Exact Sciences
Classification: Uncertain significance for GATA2-related condition. Last evaluated: 2025-10-08. Review status: criteria provided, single submitter. Criteria: ACMG Guidelines, 2015. Collection method: clinical testing. Allele origin: germline.
Comment: The GATA2 c.787G>A variant is predicted to result in the amino acid substitution p.Gly263Arg. To our knowledge, this variant has not been reported in the literature in association with disease. This variant has been reported in a study of cancer-susceptibility genes in a healthy, ancestrally diverse cohort (Table S1, Bodian et al. 2014. PubMed ID: 24728327) and is reported in 0.011% of alleles in individuals of African descent in gnomAD. At this time, the clinical significance of this variant is uncertain due to the absence of conclusive functional and genetic evidence.

Ambry Genetics
Classification: Uncertain significance for Inborn genetic diseases. Last evaluated: 2024-12-24. Review status: criteria provided, single submitter. Criteria: Ambry Variant Classification Scheme 2023. Collection method: clinical testing. Allele origin: germline.
Comment: The p.G263R variant (also known as c.787G>A), located in coding exon 2 of the GATA2 gene, results from a G to A substitution at nucleotide position 787. The glycine at codon 263 is replaced by arginine, an amino acid with dissimilar properties. This amino acid position is not well conserved in available vertebrate species. In addition, the in silico prediction for this alteration is inconclusive. Based on the available evidence, the clinical significance of this variant remains unclear.

Labcorp Genetics (formerly Invitae), Labcorp
Classification: Likely benign for Monocytopenia with susceptibility to infections; Deafness-lymphedema-leukemia syndrome. Last evaluated: 2024-03-21. Review status: criteria provided, single submitter. Criteria: Invitae Variant Classification Sherloc (09022015). Collection method: clinical testing. Allele origin: germline.

Baylor Genetics
Classification: Uncertain significance for Acute myeloid leukemia. Last evaluated: 2023-11-29. Review status: criteria provided, single submitter. Criteria: ACMG Guidelines, 2015. Collection method: clinical testing. Allele origin: unknown.

ITMI
No classification provided. Condition: AllHighlyPenetrant. Last evaluated: 2013-09-19. Review status: no classification provided. Collection method: reference population. Allele origin: germline. Not counted in ClinVar's aggregate classification.
Comment: Please see associated publication for description of ethnicities

Literature cited by the submitters: PubMed 24728327 (cited by ITMI).